The following is an entry in ClinVar:

ClinVar aggregate classification (germline): Uncertain significance. Review status: criteria provided, multiple submitters, no conflicts (2 of 4 stars). 2 submissions from 2 submitters: Uncertain significance (2). Last evaluated 2023-06-20.

Allele frequency attached by ClinVar (database versions not stated): gnomAD exomes below 0.00001 and 0.00001; TOPMed below 0.00001; ExAC 0.00001; gnomAD 0.00001.
gnomAD v4.1: 3 of 1,614,030 alleles (0.00019%); highest among the groups gnomAD compares: South Asian, 0.0022%; no homozygotes.

Submissions (2):

Blueprint Genetics
Classification: Uncertain significance. Last evaluated: 2023-06-20. Review status: criteria provided, single submitter. Criteria: ACMG Guidelines, 2015. Collection method: clinical testing. Allele origin: germline.

Labcorp Genetics (formerly Invitae), Labcorp
Classification: Uncertain significance. Last evaluated: 2022-03-10. Review status: criteria provided, single submitter. Criteria: Invitae Variant Classification Sherloc (09022015). Collection method: clinical testing. Allele origin: germline.
Comment: In summary, the available evidence is currently insufficient to determine the role of this variant in disease. Therefore, it has been classified as a Variant of Uncertain Significance. Algorithms developed to predict the effect of missense changes on protein structure and function (SIFT, PolyPhen-2, Align-GVGD) all suggest that this variant is likely to be disruptive. This variant has not been reported in the literature in individuals affected with TRPM1-related conditions. This variant is present in population databases (rs758613652, gnomAD 0.006%). This sequence change replaces isoleucine, which is neutral and non-polar, with threonine, which is neutral and polar, at codon 761 of the TRPM1 protein (p.Ile761Thr).

NM_001252024.2(TRPM1):c.2348T>C (p.Ile783Thr)

Gene: TRPM1 (transient receptor potential cation channel subfamily M member 1; minus strand). Cytogenetic location: 15q13.3.
Variant type: single nucleotide variant.
Coding change: c.2348T>C on transcript NM_001252024.2 (MANE Select); coding-DNA position 2348, T replaced by C.
Protein change: p.Ile783Thr; replaces isoleucine 783 with threonine.
Molecular consequence: missense variant.
Genome position (GRCh38, 1-based): chr15:31,038,135, A>G on the plus strand (T>C on the coding strand, the complement: TRPM1 is on the minus strand). VCF-style: chr15-31038135-A-G. GRCh37 (hg19) VCF-style: chr15-31330338-A-G.
Other names: c.2399T>C, p.Ile800Thr (NM_001252020.2); c.2282T>C, p.Ile761Thr (NM_002420.6); short protein forms I761T, I783T, I800T.
Identifiers: ClinVar variation 1369736 (VCV001369736.9), dbSNP rs758613652, ClinGen allele CA7452237.
Genomic context (GRCh38, chr15:31,038,135, plus strand): 5'-TCATTTTCCTTGGATGTTTGATACGAGAAATCATCATATGTGCGAAATTCCAAAAACAAG[A>G]TGGTGGGGGGTAGAAGAATCCCCATGATAACCTACGGAACATAAATTGATTTTTTAAGCT-3'
Protein context (NP_001238953.1, residues 773-793): VIMGILLPPT[Ile783Thr]LFLEFRTYDD